The following is an entry in ClinVar:

NM_001040108.2(MLH3):c.1827A>G (p.Ile609Met)

Gene: MLH3 (mutL homolog 3; minus strand). Cytogenetic location: 14q24.3.
Variant type: single nucleotide variant.
Coding change: c.1827A>G on transcript NM_001040108.2 (MANE Select); coding-DNA position 1827, A replaced by G.
Protein change: p.Ile609Met; replaces isoleucine 609 with methionine.
Molecular consequence: missense variant.
Genome position (GRCh38, 1-based): chr14:75,047,829, T>C on the plus strand (A>G on the coding strand, the complement: MLH3 is on the minus strand). VCF-style: chr14-75047829-T-C. GRCh37 (hg19) VCF-style: chr14-75514532-T-C.
Other names: c.1827A>G, p.Ile609Met (NM_014381.3); short protein forms I609M.
Identifiers: ClinVar variation 654497 (VCV000654497.22), dbSNP rs374951352, ClinGen allele CA7275810.

ClinVar aggregate classification (germline): Uncertain significance. Review status: criteria provided, multiple submitters, no conflicts (2 of 4 stars). 3 submissions from 3 submitters: Uncertain significance (3). Last evaluated 2025-12-29.

Conditions:
Colorectal cancer, hereditary nonpolyposis, type 7. Identifiers: Orphanet 144, MedGen C1858380, MONDO:0013725, OMIM 614385.

Allele frequency attached by ClinVar (database versions not stated): TOPMed 0.00002; gnomAD 0.00003 and 0.00004; gnomAD exomes 0.00003 and 0.00005; ExAC 0.00007; ESP Exome Variant Server 0.00008.
gnomAD v4.1: 57 of 1,613,538 alleles (0.0035%); highest among the groups gnomAD compares: Non-Finnish European, 0.0042%; no homozygotes.

Submissions (3):

Center for Genomic Medicine, Rigshospitalet, Copenhagen University Hospital
Classification: Uncertain significance. Last evaluated: 2025-12-29. Review status: criteria provided, single submitter. Criteria: ACMG Guidelines, 2015. Collection method: clinical testing. Allele origin: germline.

Labcorp Genetics (formerly Invitae), Labcorp
Classification: Uncertain significance for Colorectal cancer, hereditary nonpolyposis, type 7. Last evaluated: 2025-12-09. Review status: criteria provided, single submitter. Criteria: Invitae Variant Classification Sherloc (09022015). Collection method: clinical testing. Allele origin: germline.
Comment: This sequence change replaces isoleucine, which is neutral and non-polar, with methionine, which is neutral and non-polar, at codon 609 of the MLH3 protein (p.Ile609Met). This variant is present in population databases (rs374951352, gnomAD 0.01%). This variant has not been reported in the literature in individuals affected with MLH3-related conditions. ClinVar contains an entry for this variant (Variation ID: 654497). An algorithm developed to predict the effect of missense changes on protein structure and function (PolyPhen-2) suggests that this variant is likely to be disruptive. In summary, the available evidence is currently insufficient to determine the role of this variant in disease. Therefore, it has been classified as a Variant of Uncertain Significance.

Ambry Genetics
Classification: Uncertain significance. Last evaluated: 2024-10-12. Review status: criteria provided, single submitter. Criteria: Ambry Variant Classification Scheme 2023. Collection method: clinical testing. Allele origin: germline.
Comment: The p.I609M variant (also known as c.1827A>G), located in coding exon 1 of the MLH3 gene, results from an A to G substitution at nucleotide position 1827. The isoleucine at codon 609 is replaced by methionine, an amino acid with highly similar properties. This amino acid position is well conserved in available vertebrate species. In addition, this alteration is predicted to be tolerated by in silico analysis. Since supporting evidence is limited at this time, the clinical significance of this alteration remains unclear.